The following is an entry in ClinVar:

NM_001256864.2(DNAJC6):c.705del (p.Met235fs)

Gene: DNAJC6 (DnaJ heat shock protein family (Hsp40) member C6; plus strand). Cytogenetic location: 1p31.3.
Variant type: Deletion.
Coding change: c.705del on transcript NM_001256864.2 (MANE Select); coding-DNA position 705, one base deleted (G; older notation c.705delG).
Protein change: p.Met235fs; shifts the reading frame from methionine 235.
Molecular consequence: frameshift variant.
Genome position (GRCh38, 1-based): chr1:65,384,231, G deleted. VCF-style (leftmost placement, unchanged base first): chr1-65384230-TG-T. GRCh37 (hg19) VCF-style: chr1-65849913-TG-T.
Other names: p.Met235Ilefs*97; c.495del, p.Met165fs (NM_001256865.2); c.534del, p.Met178fs (NM_014787.4); short protein forms M165fs, M178fs, M235fs.
Identifiers: ClinVar variation 3380986 (VCV003380986.1).
Genomic context (GRCh38, chr1:65,384,230, plus strand): 5'-ATTTTATGCATTTTCTTTGACAGGATGGACGGGCGGCATCATCAATTCTGGTTGGTGCTA[TG>T]TTCATTTTCTGTAATCTCTACTCTACTCCTGGCCCAGCCATTCGATTGCTATATGCAAAG-3'

ClinVar aggregate classification (germline): Likely pathogenic (1 of 4 stars; one submission).

Submission:

Mayo Clinic Laboratories, Mayo Clinic
Classification: Likely pathogenic. Last evaluated: 2024-02-21. Review status: criteria provided, single submitter. Criteria: ACMG Guidelines, 2015. Collection method: clinical testing. Allele origin: germline. Observed: 1 variant allele.
Comment: PM2, PVS1